The following is an entry in ClinVar:

NM_007194.4(CHEK2):c.846+5G>C

Gene: CHEK2 (checkpoint kinase 2; minus strand). Cytogenetic location: 22q12.1.
Variant type: single nucleotide variant.
Coding change: c.846+5G>C on transcript NM_007194.4 (MANE Select); 5 bases into the intron after coding-DNA position 846, G replaced by C.
Molecular consequence: intron variant.
Genome position (GRCh38, 1-based): chr22:28,710,001, C>G on the plus strand (G>C on the coding strand, the complement: CHEK2 is on the minus strand). VCF-style: chr22-28710001-C-G. GRCh37 (hg19) VCF-style: chr22-29105989-C-G.
Other names: c.939+5G>C (NM_001438295.1, NM_001438293.1); c.975+5G>C (NM_001438294.1, NM_001005735.3); c.183+5G>C (NM_001437942.1, NM_001257387.3); c.645+5G>C (NM_001349956.3); c.846+5G>C (NM_145862.3).
Identifiers: ClinVar variation 3226043 (VCV003226043.3), dbSNP rs764394796, ClinGen allele CA2577676038.
Genomic context (GRCh38, chr22:28,710,001, plus strand): 5'-GCTTTATACTCTTCTCATATTTTGAGATAGATAAATCTAAGTATGAGTCATATAATAATA[C>G]TTACATGATTTAGCTTTTTCAAAATTTCTATTTCTGTTTCAACATTGAGAGCTGGGTCCT-3'

ClinVar aggregate classification (germline): Uncertain significance. Review status: criteria provided, multiple submitters, no conflicts (2 of 4 stars). 2 submissions from 2 submitters: Uncertain significance (2). Last evaluated 2025-03-18.

Conditions:
Familial cancer of breast. Also called: BREAST CANCER, FAMILIAL; Hereditary breast cancer; hereditary breast carcinoma. Identifiers: Orphanet 227535, MedGen C0346153, MONDO:0016419, OMIM 114480. Disease mechanism: loss of function.
Hereditary cancer-predisposing syndrome. Also called: Neoplastic Syndromes, Hereditary; Tumor predisposition; Hereditary neoplastic syndrome; Hereditary Cancer Syndrome. Identifiers: Orphanet 140162, MedGen C0027672, MeSH D009386, MONDO:0015356.

Submissions (2):

Labcorp Genetics (formerly Invitae), Labcorp
Classification: Uncertain significance for Familial cancer of breast. Last evaluated: 2025-03-18. Review status: criteria provided, single submitter. Criteria: Invitae Variant Classification Sherloc (09022015). Collection method: clinical testing. Allele origin: germline.
Comment: This sequence change falls in intron 7 of the CHEK2 gene. It does not directly change the encoded amino acid sequence of the CHEK2 protein. It affects a nucleotide within the consensus splice site. This variant is not present in population databases (gnomAD no frequency). This variant has not been reported in the literature in individuals affected with CHEK2-related conditions. ClinVar contains an entry for this variant (Variation ID: 3226043). Variants that disrupt the consensus splice site are a relatively common cause of aberrant splicing (PMID: 17576681, 9536098). Algorithms developed to predict the effect of sequence changes on RNA splicing suggest that this variant may disrupt the consensus splice site. In summary, the available evidence is currently insufficient to determine the role of this variant in disease. Therefore, it has been classified as a Variant of Uncertain Significance.

Ambry Genetics
Classification: Uncertain significance for Hereditary cancer-predisposing syndrome. Last evaluated: 2024-02-15. Review status: criteria provided, single submitter. Criteria: Ambry Variant Classification Scheme 2023. Collection method: clinical testing. Allele origin: germline.
Comment: The c.846+5G>C intronic variant results from a G to C substitution 5 nucleotides after coding exon 6 in the CHEK2 gene. This nucleotide position is highly conserved in available vertebrate species. In silico splice site analysis predicts that this alteration will weaken the native splice donor site. RNA studies have demonstrated that this alteration results in abnormal splicing, with the primary observed transcript predicted to lead to a protein with an in-frame deletion of 18 amino acids; however, the exact functional impact of the deleted amino acids is unknown at this time (Sanoguera-Miralles L et al. Clin Chem, 2024 Jan;70:319-338; Ambry internal data). Based on the available evidence, the clinical significance of this alteration remains unclear.

Literature cited by the submitters: PubMed 17576681 (cited by Labcorp Genetics (formerly Invitae), Labcorp); PubMed 9536098 (cited by Labcorp Genetics (formerly Invitae), Labcorp); PubMed 37725924 (cited by Ambry Genetics).